The following is an entry in ClinVar:

NC_000020.11:g.(?_63444639)_(63528152_?)del

Genes: PPDPF (pancreatic progenitor cell differentiation and proliferation factor; plus strand), PTK6 (protein tyrosine kinase 6; minus strand), EEF1A2 (eukaryotic translation elongation factor 1 alpha 2; minus strand), KCNQ2 (potassium voltage-gated channel subfamily Q member 2; minus strand), KCNQ2-AS1 (KCNQ2 antisense RNA 1; plus strand) and 5 more. Cytogenetic location: 20q13.33.
Variant type: Deletion.
Identifiers: ClinVar variation 461213 (VCV000461213.5).

ClinVar aggregate classification (germline): Conflicting classifications of pathogenicity. Review status: criteria provided, conflicting classifications (1 of 4 stars). 2 submissions from 1 submitter: Pathogenic (1); Uncertain significance (1). Last evaluated 2024-01-15.

Conditions:
Developmental and epileptic encephalopathy, 33 (DEE33). Also called: Epileptic encephalopathy, early infantile, 33. Identifiers: Orphanet 442835, MedGen C4225337, MONDO:0014625, OMIM 616409.
Developmental and epileptic encephalopathy. Identifiers: MedGen C5779964, MONDO:0100620.

Submissions (2):

Labcorp Genetics (formerly Invitae), Labcorp
Classification: Uncertain significance for Developmental and epileptic encephalopathy, 33. Last evaluated: 2024-01-15. Review status: criteria provided, single submitter. Criteria: Invitae Variant Classification Sherloc (09022015). Collection method: clinical testing. Allele origin: unknown.
Comment: A gross deletion of the genomic region encompassing the full coding sequence of the EEF1A2 gene has been identified. The current clinical and genetic evidence is not sufficient to establish whether loss-of-function variants in EEF1A2 cause disease. The boundaries of this event are unknown as they extend beyond the assayed region for this gene and therefore may encompass additional genes. Isolated whole-gene deletions of EEF1A2 have not been reported in the literature. However, larger copy number events that include this gene have been reported (PMID: 17290276, 20805988, 23166088, 26030193). In summary, the available evidence is currently insufficient to determine the role of this variant in disease. Therefore, it has been classified as a Variant of Uncertain Significance.

Labcorp Genetics (formerly Invitae), Labcorp
Classification: Pathogenic for Early infantile epileptic encephalopathy with suppression bursts. Last evaluated: 2019-07-02. Review status: criteria provided, single submitter. Criteria: Invitae Variant Classification Sherloc (09022015). Collection method: clinical testing. Allele origin: germline.
Comment: This variant is a gross deletion of the genomic region encompassing exons 1-4 of the KCNQ2 gene, which includes the initiator codon. The 5' end of this event is unknown as it extends beyond the assayed region for this gene and therefore may encompass additional genes. The 3' boundary is likely confined to intron 4 of the KCNQ2 gene. This is expected to result in an absent or disrupted protein product. A deletion encompassing exons 1-4 of KCNQ2, as well as several upstream genes, has been reported in a family affected with benign familial neonatal seizures (PMID: 19822871). Loss-of-function variants in KCNQ2 are known to be pathogenic (PMID: 14534157). For these reasons, this variant has been classified as Pathogenic.

Literature cited by the submitters: PubMed 17290276; PubMed 20805988; PubMed 23166088; PubMed 26030193; PubMed 19822871.